The following is an entry in ClinVar:

NC_000006.11:g.(?_74171568)_(74210468_?)dup

Genes: MTO1 (mitochondrial tRNA translation optimization 1; plus strand), LOC129996722 (ATAC-STARR-seq lymphoblastoid active region 24747; plus strand). Cytogenetic location: 6q13.
Variant type: Duplication.
Identifiers: ClinVar variation 640995 (VCV000640995.3).

ClinVar aggregate classification (germline): Uncertain significance (1 of 4 stars; one submission).

Conditions:
Mitochondrial hypertrophic cardiomyopathy with lactic acidosis due to MTO1 deficiency. Also called: Combined oxidative phosphorylation deficiency 10; CARDIOMYOPATHY, INFANTILE HYPERTROPHIC MITOCHONDRIAL, AND LACTIC ACIDOSIS. Identifiers: Orphanet 314637, MedGen C4749921, MONDO:0013865, OMIM 614702.

Submission:

Labcorp Genetics (formerly Invitae), Labcorp
Classification: Uncertain significance for Mitochondrial hypertrophic cardiomyopathy with lactic acidosis due to MTO1 deficiency. Last evaluated: 2020-02-07. Review status: criteria provided, single submitter. Criteria: Invitae Variant Classification Sherloc (09022015). Collection method: clinical testing. Allele origin: germline.
Comment: This variant results in a copy number gain of the genomic region encompassing the full coding sequence of the MTO1 gene. The boundaries of this event are unknown as they extend beyond the assayed region for this gene and therefore may encompass additional genes. As the precise location of this event is unknown, it may be in tandem or it may be located elsewhere in the genome. This variant has not been reported in the literature in individuals with MTO1-related conditions. In summary, the available evidence is currently insufficient to determine the role of this variant in disease. Therefore, it has been classified as a Variant of Uncertain Significance.